The following is an entry in ClinVar:

NM_000719.7(CACNA1C):c.4819C>G (p.Pro1607Ala)

Gene: CACNA1C (calcium voltage-gated channel subunit alpha1 C; plus strand). Cytogenetic location: 12p13.33.
Variant type: single nucleotide variant.
Coding change: c.4819C>G on transcript NM_000719.7 (MANE Select); coding-DNA position 4819, C replaced by G.
Protein change: p.Pro1607Ala; replaces proline 1607 with alanine.
Molecular consequence: missense variant.
Genome position (GRCh38, 1-based): chr12:2,674,633, C>G. VCF-style: chr12-2674633-C-G. GRCh37 (hg19) VCF-style: chr12-2783799-C-G.
Other names: p.Pro1607Ala; c.4870C>G, p.Pro1624Ala (NM_001129836.2); c.4843C>G, p.Pro1615Ala (NM_001129837.2, NM_001129838.2); c.4837C>G, p.Pro1613Ala (NM_001129839.2); c.4819C>G, p.Pro1607Ala (NM_001129840.2, NM_001129841.2, NM_001129842.2 and 4 more transcripts); c.4810C>G, p.Pro1604Ala (NM_001129844.2); c.4786C>G, p.Pro1596Ala (NM_001129846.2, NM_001167625.2); c.4963C>G, p.Pro1655Ala (NM_199460.4, NM_001129827.2); and 4 more; short protein forms P1607A, P1655A, P1615A, P1613A, P1624A, P1627A, P1635A, P1648A.
Identifiers: ClinVar variation 588599 (VCV000588599.6), dbSNP rs745938574, ClinGen allele CA383377853.

ClinVar aggregate classification (germline): Uncertain significance. Review status: criteria provided, multiple submitters, no conflicts (2 of 4 stars). 2 submissions from 2 submitters: Uncertain significance (2). Last evaluated 2026-04-07.

Conditions:
Cardiovascular phenotype. Identifiers: MedGen CN230736.
Neurodevelopmental disorder with hypotonia, language delay, and skeletal defects with or without seizures (NEDHLSS). Identifiers: MedGen C5774213, MONDO:0859286, OMIM 620029.

Submissions (2):

Foundation for Research in Genetics and Endocrinology, FRIGE's Institute of Human Genetics
Classification: Uncertain significance for Neurodevelopmental disorder with hypotonia, language delay, and skeletal defects with or without seizures. Last evaluated: 2026-04-07. Review status: criteria provided, single submitter. Criteria: ACMG Guidelines, 2015. Collection method: clinical testing. Allele origin: germline. Inheritance: Autosomal dominant inheritance. Affected: yes. Observed: 1 variant allele, 1 heterozygote.
Comment: A heterozygous variant c.4819C>G in exon 39 of the CACNA1C gene was detected. This variant results in the substitution of proline by alanine at amino acid position 1607. This variant has not been reported in the 1000 genomes and gnomAD databases. The in-silico prediction of the variant is deleterious by MutationTaster, FATHMM and DANN. The identified variant has been reported in the dbSNP database with identification number rs745938574. In summary, the variant meets our criteria to be classified as variant of uncertain significance.

Ambry Genetics
Classification: Uncertain significance for Cardiovascular phenotype. Last evaluated: 2016-12-19. Review status: criteria provided, single submitter. Criteria: Ambry Variant Classification Scheme 2023. Collection method: clinical testing. Allele origin: germline.
Comment: The p.P1607A variant (also known as c.4819C>G), located in coding exon 39 of the CACNA1C gene, results from a C to G substitution at nucleotide position 4819. The proline at codon 1607 is replaced by alanine, an amino acid with highly similar properties. This amino acid position is highly conserved in available vertebrate species. In addition, this alteration is predicted to be deleterious by in silico analysis. Since supporting evidence is limited at this time, the clinical significance of this variant remains unclear.